The following is an entry in ClinVar:

NM_007194.4(CHEK2):c.1306C>A (p.Leu436Met)

Gene: CHEK2 (checkpoint kinase 2; minus strand). Cytogenetic location: 22q12.1.
Variant type: single nucleotide variant.
Coding change: c.1306C>A on transcript NM_007194.4 (MANE Select); coding-DNA position 1306, C replaced by A.
Protein change: p.Leu436Met; replaces leucine 436 with methionine.
Molecular consequence: missense variant.
Genome position (GRCh38, 1-based): chr22:28,695,196, G>T on the plus strand (C>A on the coding strand, the complement: CHEK2 is on the minus strand). VCF-style: chr22-28695196-G-T. GRCh37 (hg19) VCF-style: chr22-29091184-G-T.
Other names: c.1435C>A, p.Leu479Met (NM_001005735.3); c.643C>A, p.Leu215Met (NM_001257387.3); c.1105C>A, p.Leu369Met (NM_001349956.3); c.1219C>A, p.Leu407Met (NM_145862.3); short protein forms L407M, L479M, L436M, L369M, L215M.
Identifiers: ClinVar variation 1430497 (VCV001430497.10), dbSNP rs17882922, ClinGen allele CA323005226.
Genomic context (GRCh38, chr22:28,695,196, plus strand): 5'-AGACTTCTGCCCAGACTTCAGGAATGAAGTTGTATTTTCCACTGGTGATCTGATCCTTCA[G>T]TGACACTTGAGTCCTATGCTCAGAGAAAGGTGGATACCCACTAAGGCTTAATATTGGTAG-3'
Protein context (NP_009125.1, residues 426-446): PFSEHRTQVS[Leu436Met]KDQITSGKYN

ClinVar aggregate classification (germline): Conflicting classifications of pathogenicity. Review status: criteria provided, conflicting classifications (1 of 4 stars). 2 submissions from 2 submitters: Uncertain significance (1); Likely benign (1). Last evaluated 2025-06-06.

Conditions:
Hereditary cancer-predisposing syndrome. Also called: Hereditary Cancer Syndrome; Hereditary neoplastic syndrome; Neoplastic Syndromes, Hereditary; Tumor predisposition. Identifiers: Orphanet 140162, MedGen C0027672, MeSH D009386, MONDO:0015356.
Familial cancer of breast. Also called: BREAST CANCER, FAMILIAL; Hereditary breast cancer; hereditary breast carcinoma. Identifiers: Orphanet 227535, MedGen C0346153, MONDO:0016419, OMIM 114480. Disease mechanism: loss of function.

Submissions (2):

Ambry Genetics
Classification: Likely benign for Hereditary cancer-predisposing syndrome. Last evaluated: 2025-06-06. Review status: criteria provided, single submitter. Criteria: Ambry Variant Classification Scheme 2023. Collection method: clinical testing. Allele origin: germline.

Labcorp Genetics (formerly Invitae), Labcorp
Classification: Uncertain significance for Familial cancer of breast. Last evaluated: 2024-03-21. Review status: criteria provided, single submitter. Criteria: Invitae Variant Classification Sherloc (09022015). Collection method: clinical testing. Allele origin: germline.
Comment: This sequence change replaces leucine, which is neutral and non-polar, with methionine, which is neutral and non-polar, at codon 436 of the CHEK2 protein (p.Leu436Met). This variant is not present in population databases (gnomAD no frequency). This variant has not been reported in the literature in individuals affected with CHEK2-related conditions. ClinVar contains an entry for this variant (Variation ID: 1430497). An algorithm developed to predict the effect of missense changes on protein structure and function (PolyPhen-2) suggests that this variant is likely to be disruptive. In summary, the available evidence is currently insufficient to determine the role of this variant in disease. Therefore, it has been classified as a Variant of Uncertain Significance.

Literature cited by the submitters: PubMed 37449874 (cited by Ambry Genetics).